The following is an entry in ClinVar:

ClinVar aggregate classification (germline): Pathogenic/Likely pathogenic. Review status: criteria provided, multiple submitters, no conflicts (2 of 4 stars). 2 submissions from 2 submitters: Pathogenic (1); Likely pathogenic (1). Last evaluated 2025-11-04.

Conditions:
Developmental and epileptic encephalopathy, 7 (DEE7). Also called: KCNQ2-Related Neonatal-Onset Developmental and Epileptic Encephalopathy (NEO-DEE); Early infantile epileptic encephalopathy 7; KCNQ2-Related Neonatal Epileptic Encephalopathy. Identifiers: Orphanet 439218, MedGen C3150986, MONDO:0013387, OMIM 613720.
Early-infantile DEE. Also called: Early infantile epileptic encephalopathy; Ohtahara syndrome; Early infantile epileptic encephalopathy with suppression bursts. Identifiers: Orphanet 1934, MedGen C0393706, MONDO:0800491.

Submissions (2):

3billion
Classification: Likely pathogenic for Developmental and epileptic encephalopathy, 7. Last evaluated: 2025-11-04. Review status: criteria provided, single submitter. Criteria: ACMG Guidelines, 2015. Collection method: clinical testing. Allele origin: germline. Affected: yes.
Comment: The variant is not observed in the gnomAD v4.1.0 dataset. Predicted Consequence/Location: The variant is located in a mutational hot spot and/or well-established functional domain in which established pathogenic variants have been reported. In silico tool predictions suggest damaging effect of the variant on gene or gene product [REVEL: 0.90 (>=0.6, sensitivity 0.68 and specificity 0.92); 3Cnet: 1.00 (> 0.75, sensitivity 0.96 and precision 0.92)]. The same nucleotide change resulting in the same amino acid change has been previously reported to be associated with KCNQ2-related disorder (ClinVar ID: VCV001463576). A different missense change at the same codon (p.Ile209Thr) has been reported to be associated with KCNQ2-related disorder (ClinVar ID: VCV000812512). Therefore, this variant is classified as Likely pathogenic according to the recommendation of ACMG/AMP guideline.

Labcorp Genetics (formerly Invitae), Labcorp
Classification: Pathogenic for Early-infantile DEE. Last evaluated: 2022-04-22. Review status: criteria provided, single submitter. Criteria: Invitae Variant Classification Sherloc (09022015). Collection method: clinical testing. Allele origin: germline.
Comment: For these reasons, this variant has been classified as Pathogenic. Advanced modeling of protein sequence and biophysical properties (such as structural, functional, and spatial information, amino acid conservation, physicochemical variation, residue mobility, and thermodynamic stability) performed at Invitae indicates that this missense variant is expected to disrupt KCNQ2 protein function. This missense change has been observed in individual(s) with clinical features of KCNQ2-related conditions (Invitae). In at least one individual the variant was observed to be de novo. This variant is not present in population databases (gnomAD no frequency). This sequence change replaces isoleucine, which is neutral and non-polar, with serine, which is neutral and polar, at codon 209 of the KCNQ2 protein (p.Ile209Ser).

NM_172107.4(KCNQ2):c.626T>G (p.Ile209Ser)

Gene: KCNQ2 (potassium voltage-gated channel subfamily Q member 2; minus strand). Cytogenetic location: 20q13.33.
Variant type: single nucleotide variant.
Coding change: c.626T>G on transcript NM_172107.4 (MANE Select); coding-DNA position 626, T replaced by G.
Protein change: p.Ile209Ser; replaces isoleucine 209 with serine.
Molecular consequence: missense variant.
Genome position (GRCh38, 1-based): chr20:63,444,723, A>C on the plus strand (T>G on the coding strand, the complement: KCNQ2 is on the minus strand). VCF-style: chr20-63444723-A-C. GRCh37 (hg19) VCF-style: chr20-62076076-A-C.
Other names: c.626T>G, p.Ile209Ser (NM_001382235.1, NM_004518.6, NM_172106.3 and 2 more transcripts); short protein forms I209S.
Identifiers: ClinVar variation 1463576 (VCV001463576.8), dbSNP rs1600785769, ClinGen allele CA409654756.